The following is an entry in ClinVar:

NM_014423.4(AFF4):c.1268_1270dup (p.Asn423_Ser424insTyr)

Gene: AFF4 (ALF transcription elongation factor 4; minus strand). Cytogenetic location: 5q31.1.
Variant type: Duplication.
Coding change: c.1268_1270dup on transcript NM_014423.4 (MANE Select); coding-DNA positions 1268 to 1270, 3 bases duplicated (ACT; older notation c.1268_1270dupACT).
Protein change: p.Asn423_Ser424insTyr.
Molecular consequence: inframe insertion.
Genome position (GRCh38, 1-based): chr5:132,898,349-132,898,351, AGT duplicated on the plus strand (ACT on the coding strand, the reverse complement: AFF4 is on the minus strand). VCF-style (leftmost placement, unchanged base first): chr5-132898348-G-GAGT. GRCh37 (hg19) VCF-style: chr5-132234040-G-GAGT.
Identifiers: ClinVar variation 523059 (VCV000523059.8), dbSNP rs764600828, ClinGen allele CA3409137.
Genomic context (GRCh38, chr5:132,898,348, plus strand): 5'-CTCTCTGAGTCAGATCCAGAGCTGCTTTCAGATCCACTGTGGCTACTAGAATCATCCCTG[G>GAGT]AGTTATCTGCTCCTTCACTATTATGGTGTGAAGGTTCAGAGTTACTAAAAGAGATGAAAT-3'

ClinVar aggregate classification (germline): Uncertain significance. Review status: criteria provided, multiple submitters, no conflicts (2 of 4 stars). 2 submissions from 2 submitters: Uncertain significance (2). Last evaluated 2023-11-21.

Conditions:
Cognitive impairment - coarse facies - heart defects - obesity - pulmonary involvement - short stature - skeletal dysplasia syndrome. Also called: AFF4-Related CHOPS Syndrome; Chops syndrome; COGNITIVE IMPAIRMENT, COARSE FACIES, HEART DEFECTS, OBESITY, PULMONARY INVOLVEMENT, SHORT STATURE, AND SKELETAL DYSPLASIA. Identifiers: Orphanet 444077, MedGen C4085597, MONDO:0014609, OMIM 616368.

Allele frequency attached by ClinVar (database versions not stated): gnomAD 0.00001 and 0.00003; gnomAD exomes 0.00001; ExAC 0.00002.

Submissions (2):

Labcorp Genetics (formerly Invitae), Labcorp
Classification: Uncertain significance for Cognitive impairment - coarse facies - heart defects - obesity - pulmonary involvement - short stature - skeletal dysplasia syndrome. Last evaluated: 2023-11-21. Review status: criteria provided, single submitter. Criteria: Invitae Variant Classification Sherloc (09022015). Collection method: clinical testing. Allele origin: germline.
Comment: This variant, c.1268_1270dup, results in the insertion of 1 amino acid(s) of the AFF4 protein (p.Asn423_Ser424insTyr), but otherwise preserves the integrity of the reading frame. This variant is present in population databases (rs764600828, gnomAD 0.01%). This variant has not been reported in the literature in individuals affected with AFF4-related conditions. ClinVar contains an entry for this variant (Variation ID: 523059). In summary, the available evidence is currently insufficient to determine the role of this variant in disease. Therefore, it has been classified as a Variant of Uncertain Significance.

Genomic Research Center, Shahid Beheshti University of Medical Sciences
Classification: Uncertain significance for Cognitive impairment - coarse facies - heart defects - obesity - pulmonary involvement - short stature - skeletal dysplasia syndrome. Last evaluated: 2017-12-18. Review status: criteria provided, single submitter. Criteria: ACMG Guidelines, 2015. Collection method: clinical testing. Allele origin: inherited. Affected: yes.